The following is an entry in ClinVar:

NM_024884.3(L2HGDH):c.1267G>A (p.Ala423Thr)

Gene: L2HGDH (L-2-hydroxyglutarate dehydrogenase; minus strand). Cytogenetic location: 14q21.3.
Variant type: single nucleotide variant.
Coding change: c.1267G>A on transcript NM_024884.3 (MANE Select); coding-DNA position 1267, G replaced by A.
Protein change: p.Ala423Thr; replaces alanine 423 with threonine.
Molecular consequence: missense variant.
Genome position (GRCh38, 1-based): chr14:50,247,183, C>T on the plus strand (G>A on the coding strand, the complement: L2HGDH is on the minus strand). VCF-style: chr14-50247183-C-T. GRCh37 (hg19) VCF-style: chr14-50713901-C-T.
Other names: short protein forms A423T.
Identifiers: ClinVar variation 1044003 (VCV001044003.8), dbSNP rs1888055860, ClinGen allele CA389647419.
Genomic context (GRCh38, chr14:50,247,183, plus strand): 5'-CAGCAGGAGAAGGTGCATTTCTCACATGAAGAATGCGATTTCCAATATCCCCAACTCCTG[C>T]ATCAAATACAAAATCTTCTACCAGATTTCCATCTCTATCCAGGGCCTGGGCTCTTACTCC-3'
Protein context (NP_079160.1, residues 413-433): GNLVEDFVFD[Ala423Thr]GVGDIGNRIL

ClinVar aggregate classification (germline): Uncertain significance (1 of 4 stars; one submission).

Conditions:
L-2-hydroxyglutaric aciduria (L2HGA). Identifiers: Orphanet 79314, MedGen C1855995, MONDO:0009370, OMIM 236792, HP:0040144.

Submission:

Labcorp Genetics (formerly Invitae), Labcorp
Classification: Uncertain significance for L-2-hydroxyglutaric aciduria. Last evaluated: 2024-03-04. Review status: criteria provided, single submitter. Criteria: Invitae Variant Classification Sherloc (09022015). Collection method: clinical testing. Allele origin: germline.
Comment: This sequence change replaces alanine, which is neutral and non-polar, with threonine, which is neutral and polar, at codon 423 of the L2HGDH protein (p.Ala423Thr). This variant is not present in population databases (gnomAD no frequency). This variant has not been reported in the literature in individuals affected with L2HGDH-related conditions. ClinVar contains an entry for this variant (Variation ID: 1044003). Advanced modeling of protein sequence and biophysical properties (such as structural, functional, and spatial information, amino acid conservation, physicochemical variation, residue mobility, and thermodynamic stability) performed at Invitae indicates that this missense variant is not expected to disrupt L2HGDH protein function with a negative predictive value of 80%. In summary, the available evidence is currently insufficient to determine the role of this variant in disease. Therefore, it has been classified as a Variant of Uncertain Significance.